The following is an entry in ClinVar:

ClinVar aggregate classification (germline): Uncertain significance (1 of 4 stars; one submission).

Allele frequency attached by ClinVar (database versions not stated): gnomAD exomes 0.00001.
gnomAD v4.1: 12 of 1,614,170 alleles (0.00074%); highest among the groups gnomAD compares: Non-Finnish European, 0.001%; no homozygotes.

Submission:

Labcorp Genetics (formerly Invitae), Labcorp
Classification: Uncertain significance. Last evaluated: 2020-11-20. Review status: criteria provided, single submitter. Criteria: Invitae Variant Classification Sherloc (09022015). Collection method: clinical testing. Allele origin: germline.
Comment: This sequence change replaces valine with isoleucine at codon 113 of the NEK2 protein (p.Val113Ile). The valine residue is moderately conserved and there is a small physicochemical difference between valine and isoleucine. In summary, the available evidence is currently insufficient to determine the role of this variant in disease. Therefore, it has been classified as a Variant of Uncertain Significance. Algorithms developed to predict the effect of missense changes on protein structure and function (SIFT, PolyPhen-2, Align-GVGD) all suggest that this variant is likely to be tolerated, but these predictions have not been confirmed by published functional studies and their clinical significance is uncertain. This variant has not been reported in the literature in individuals with NEK2-related conditions. This variant is not present in population databases (ExAC no frequency).

NM_002497.4(NEK2):c.337G>A (p.Val113Ile)

Gene: NEK2 (NIMA related kinase 2; minus strand). Cytogenetic location: 1q32.3.
Variant type: single nucleotide variant.
Coding change: c.337G>A on transcript NM_002497.4 (MANE Select); coding-DNA position 337, G replaced by A.
Protein change: p.Val113Ile; replaces valine 113 with isoleucine.
Molecular consequence: missense variant.
Genome position (GRCh38, 1-based): chr1:211,673,701, C>T on the plus strand (G>A on the coding strand, the complement: NEK2 is on the minus strand). VCF-style: chr1-211673701-C-T. GRCh37 (hg19) VCF-style: chr1-211847043-C-T.
Other names: c.337G>A, p.Val113Ile (NM_001204182.2, NM_001204183.2); short protein forms V113I.
Identifiers: ClinVar variation 1349458 (VCV001349458.8), dbSNP rs1253628601, ClinGen allele CA344784390.
Genomic context (GRCh38, chr1:211,673,701, plus strand): 5'-CATCACTTCGTCTGTGGCATTCCTTCAGGGCCAGAGTCAACTGAGTCATCACTCGAAGAA[C>T]AAACTCTTCATCTAAGTATTGCCTAAAACCAAAGCAGTTATACAGCATATAACTTCTAAA-3'
Protein context (NP_002488.1, residues 103-123): KERQYLDEEF[Val113Ile]LRVMTQLTLA